The following is an entry in ClinVar:

NM_032977.4(CASP10):c.1060T>C (p.Cys354Arg)

Gene: CASP10 (caspase 10; plus strand). Cytogenetic location: 2q33.1.
Variant type: single nucleotide variant.
Coding change: c.1060T>C on transcript NM_032977.4 (MANE Select); coding-DNA position 1060, T replaced by C.
Protein change: p.Cys354Arg; replaces cysteine 354 with arginine.
Molecular consequence: missense variant. On other transcripts: 3 prime UTR variant (1).
Genome position (GRCh38, 1-based): chr2:201,209,207, T>C. VCF-style: chr2-201209207-T-C. GRCh37 (hg19) VCF-style: chr2-202073930-T-C.
Other names: c.859T>C, p.Cys287Arg (NM_001206524.2); c.931T>C, p.Cys311Arg (NM_001206542.2, NM_001230.5); c.1060T>C, p.Cys354Arg (NM_032974.5); c.*146T>C (NM_032976.4); short protein forms C287R, C311R, C354R.
Identifiers: ClinVar variation 898480 (VCV000898480.15), dbSNP rs1233007817, ClinGen allele CA350289559.

ClinVar aggregate classification (germline): Uncertain significance. Review status: criteria provided, multiple submitters, no conflicts (2 of 4 stars). 2 submissions from 2 submitters: Uncertain significance (2). Last evaluated 2024-07-27.

Conditions:
Autoimmune lymphoproliferative syndrome type 2A (ALPS2A). Also called: Autoimmune lymphoproliferative syndrome type 2; CASP10-Related Autoimmune Lymphoproliferative Syndrome; AUTOIMMUNE LYMPHOPROLIFERATIVE SYNDROME, TYPE IIA. Identifiers: Orphanet 3261, MedGen C1858968, MONDO:0011383, OMIM 603909.

Allele frequency attached by ClinVar (database versions not stated): TOPMed below 0.00001; gnomAD 0.00001; gnomAD exomes 0.00002.
gnomAD v4.1: 26 of 1,613,774 alleles (0.0016%); highest among the groups gnomAD compares: East Asian, 0.058%; no homozygotes.

Submissions (2):

Labcorp Genetics (formerly Invitae), Labcorp
Classification: Uncertain significance for Autoimmune lymphoproliferative syndrome type 2A. Last evaluated: 2024-07-27. Review status: criteria provided, single submitter. Criteria: Invitae Variant Classification Sherloc (09022015). Collection method: clinical testing. Allele origin: germline.
Comment: This sequence change replaces cysteine, which is neutral and slightly polar, with arginine, which is basic and polar, at codon 354 of the CASP10 protein (p.Cys354Arg). This variant is not present in population databases (gnomAD no frequency). This variant has not been reported in the literature in individuals affected with CASP10-related conditions. ClinVar contains an entry for this variant (Variation ID: 898480). Advanced modeling of protein sequence and biophysical properties (such as structural, functional, and spatial information, amino acid conservation, physicochemical variation, residue mobility, and thermodynamic stability) performed at Invitae indicates that this missense variant is expected to disrupt CASP10 protein function with a positive predictive value of 80%. In summary, the available evidence is currently insufficient to determine the role of this variant in disease. Therefore, it has been classified as a Variant of Uncertain Significance.

Illumina Laboratory Services, Illumina
Classification: Uncertain significance for Autoimmune lymphoproliferative syndrome type 2A. Last evaluated: 2018-01-13. Review status: criteria provided, single submitter. Criteria: ICSL Variant Classification Criteria 13 December 2019. Collection method: clinical testing. Allele origin: germline.